The following is an entry in ClinVar:

ClinVar aggregate classification (germline): Pathogenic (1 of 4 stars; one submission).

gnomAD v4.1: 3 of 1,611,342 alleles (0.00019%); highest among the groups gnomAD compares: South Asian, 0.0022%; no homozygotes.

Submission:

Labcorp Genetics (formerly Invitae), Labcorp
Classification: Pathogenic. Last evaluated: 2022-09-06. Review status: criteria provided, single submitter. Criteria: Invitae Variant Classification Sherloc (09022015). Collection method: clinical testing. Allele origin: germline.
Comment: This variant is present in population databases (no rsID available, gnomAD 0.003%). This sequence change affects a donor splice site in intron 18 of the PDE6B gene. It is expected to disrupt RNA splicing. Variants that disrupt the donor or acceptor splice site typically lead to a loss of protein function (PMID: 16199547), and loss-of-function variants in PDE6B are known to be pathogenic (PMID: 8394174, 8595886, 22334370). Disruption of this splice site has been observed in individual(s) with clinical features of autosomal recessive PDE6B-related conditions (PMID: 7724547, 25097241, 30998820). In at least one individual the data is consistent with being in trans (on the opposite chromosome) from a pathogenic variant. It has also been observed to segregate with disease in related individuals. For these reasons, this variant has been classified as Pathogenic. Algorithms developed to predict the effect of sequence changes on RNA splicing suggest that this variant may disrupt the consensus splice site.

Literature cited by the submitters: PubMed 16199547; PubMed 8394174; PubMed 8595886; PubMed 22334370; PubMed 7724547; PubMed 25097241; PubMed 30998820.

NM_000283.4(PDE6B):c.2193+1G>T

Gene: PDE6B (phosphodiesterase 6B; plus strand). Cytogenetic location: 4p16.3.
Variant type: single nucleotide variant.
Coding change: c.2193+1G>T on transcript NM_000283.4 (MANE Select); the canonical splice donor site of the intron after coding-DNA position 2193, G replaced by T.
Molecular consequence: splice donor variant.
Genome position (GRCh38, 1-based): chr4:664,945, G>T. VCF-style: chr4-664945-G-T. GRCh37 (hg19) VCF-style: chr4-658734-G-T.
Other names: c.2193+1G>T (NM_001145291.2); c.1356+1G>T (NM_001379246.1, NM_001379247.1, NM_001145292.2 and 1 more transcripts); c.1038+1G>T (NM_001350155.3).
Identifiers: ClinVar variation 2203492 (VCV002203492.4), dbSNP rs727504075, ClinGen allele CA355919830.